The following is an entry in ClinVar:

NM_000102.4(CYP17A1):c.970-1G>A

Genes: CYP17A1 (cytochrome P450 family 17 subfamily A member 1; minus strand), CYP17A1-AS1 (CYP17A1 antisense RNA 1; plus strand). Cytogenetic location: 10q24.32.
Variant type: single nucleotide variant.
Coding change: c.970-1G>A on transcript NM_000102.4 (MANE Select); the canonical splice acceptor site of the intron before coding-DNA position 970, G replaced by A.
Molecular consequence: splice acceptor variant.
Genome position (GRCh38, 1-based): chr10:102,832,681, C>T on the plus strand (G>A on the coding strand, the complement: CYP17A1 is on the minus strand). VCF-style: chr10-102832681-C-T. GRCh37 (hg19) VCF-style: chr10-104592438-C-T.
Identifiers: ClinVar variation 4817445 (VCV004817445.1).
Genomic context (GRCh38, chr10:102,832,681, plus strand): 5'-AGTTGGTGTGCGGCTGAAACCCACATTCTGGTCAATCTCCTCGTAGAGCTTCTTCTTCAC[C>T]TGAAGACCAGAGTAGGTTGGAGGTGACTAGTGTGTGTAAGCCCAGGAGAAGCAAGGGCTT-3'

ClinVar aggregate classification (germline): Pathogenic (1 of 4 stars; one submission).

Conditions:
Deficiency of steroid 17-alpha-monooxygenase. Also called: ADRENAL HYPERPLASIA V; 17-ALPHA-HYDROXYLASE DEFICIENCY; Congenital adrenal hyperplasia due to 17-alpha-hydroxylase deficiency; Congenital adrenal hyperplasia type 5; 17-alpha-hydroxylase/17,20-lyase deficiency. Identifiers: Orphanet 90793, MedGen C0268285, MONDO:0008730, OMIM 202110.

Submission:

Natera, Inc.
Classification: Pathogenic for Deficiency of steroid 17-alpha-monooxygenase. Last evaluated: 2026-01-14. Review status: criteria provided, single submitter. Criteria: Natera Variant Classification Schema (03/2026). Collection method: clinical testing. Allele origin: germline.
Comment: The c.970-1G>A variant in CYP17A1 is a canonical splice acceptor site variant predicted to affect pre-mRNA splicing, which may result in an abnormal transcript and altered protein product. This variant is expected to result in nonsense mediated decay, truncation, or a dysfunctional protein product. This variant is rare in the general population with a frequency below the threshold expected for the associated phenotype(s). This variant has been observed in one or more individuals affected with the associated recessive disease, as either homozygous or compound heterozygous with a second variant (PMID: 32945709). Given the available evidence, this variant is classified as Pathogenic.

Literature cited by the submitters: PubMed 32945709.